The following is an entry in ClinVar:

ClinVar aggregate classification (germline): Likely pathogenic (1 of 4 stars; one submission).

Conditions:
Epidermolysis bullosa dystrophica. Also called: Dystrophic epidermolysis bullosa, Hallopeau-Siemens type (formerly); Dystrophic epidermolysis bullosa. Identifiers: Orphanet 303, MedGen C0079294, MONDO:0006543.

Submission:

Natera, Inc.
Classification: Likely pathogenic for Dystrophic epidermolysis bullosa. Last evaluated: 2024-08-13. Review status: criteria provided, single submitter. Criteria: Natera Variant Classification Schema (03/2026). Collection method: clinical testing. Allele origin: germline.
Comment: The c.4724del variant in COL7A1 is a frameshift variant predicted to shift the reading frame beginning at codon 1575 and leads to a stop codon 135 codons downstream. This variant is expected to result in nonsense mediated decay, truncation, or a dysfunctional protein product. This variant is rare in the general population with a frequency below the threshold expected for the associated phenotype(s). Given the available evidence, this variant is classified as Likely Pathogenic.

NM_000094.3(COL7A1):c.4724del

Gene: COL7A1 (collagen type VII alpha 1 chain; minus strand). Cytogenetic location: 3p21.31.
Variant type: Deletion.
Coding change: c.4724del on transcript NM_000094.3; coding-DNA position 4724, one base deleted (G; older notation c.4724delG).
Genome position (GRCh38, 1-based): chr3:48,581,631, C deleted on the plus strand (G on the coding strand, the reverse complement: COL7A1 is on the minus strand); the first of 3 consecutive C bases (chr3:48,581,631-48,581,633); deleting any one gives the same sequence. VCF-style (leftmost placement, unchanged base first): chr3-48581630-GC-G. GRCh37 (hg19) VCF-style: chr3-48619063-GC-G.
Identifiers: ClinVar variation 4817378 (VCV004817378.1).